The following is an entry in ClinVar:

ClinVar aggregate classification (germline): Uncertain significance. Review status: criteria provided, multiple submitters, no conflicts (2 of 4 stars). 2 submissions from 2 submitters: Uncertain significance (2). Last evaluated 2025-03-30.

Conditions:
Inborn genetic diseases. Identifiers: MedGen C0950123, MeSH D030342.

gnomAD v4.1: 2 of 1,613,788 alleles (0.00012%); highest among the groups gnomAD compares: Non-Finnish European, 0.00017%; no homozygotes.

Submissions (2):

Ambry Genetics
Classification: Uncertain significance for Inborn genetic diseases. Last evaluated: 2025-03-30. Review status: criteria provided, single submitter. Criteria: Ambry Variant Classification Scheme 2023. Collection method: clinical testing. Allele origin: germline.
Comment: The p.N386T variant (also known as c.1157A>C), located in coding exon 10 of the ANKRD26 gene, results from an A to C substitution at nucleotide position 1157. The asparagine at codon 386 is replaced by threonine, an amino acid with similar properties. This amino acid position is conserved. In addition, this alteration is predicted to be tolerated by in silico analysis. Based on the available evidence, the clinical significance of this variant remains unclear.

Labcorp Genetics (formerly Invitae), Labcorp
Classification: Uncertain significance. Last evaluated: 2024-11-19. Review status: criteria provided, single submitter. Criteria: Invitae Variant Classification Sherloc (09022015). Collection method: clinical testing. Allele origin: germline.
Comment: This sequence change replaces asparagine, which is neutral and polar, with threonine, which is neutral and polar, at codon 386 of the ANKRD26 protein (p.Asn386Thr). This variant is present in population databases (no rsID available, gnomAD 0.007%). This variant has not been reported in the literature in individuals affected with ANKRD26-related conditions. An algorithm developed to predict the effect of missense changes on protein structure and function (PolyPhen-2) suggests that this variant is likely to be tolerated. In summary, the available evidence is currently insufficient to determine the role of this variant in disease. Therefore, it has been classified as a Variant of Uncertain Significance.

NM_014915.3(ANKRD26):c.1157A>C (p.Asn386Thr)

Gene: ANKRD26 (ankyrin repeat domain 26; minus strand). Cytogenetic location: 10p12.1.
Variant type: single nucleotide variant.
Coding change: c.1157A>C on transcript NM_014915.3 (MANE Select); coding-DNA position 1157, A replaced by C.
Protein change: p.Asn386Thr; replaces asparagine 386 with threonine.
Molecular consequence: missense variant.
Genome position (GRCh38, 1-based): chr10:27,067,207, T>G on the plus strand (A>C on the coding strand, the complement: ANKRD26 is on the minus strand). VCF-style: chr10-27067207-T-G. GRCh37 (hg19) VCF-style: chr10-27356136-T-G.
Other names: c.1157A>C, p.Asn386Thr (NM_001256053.2); short protein forms N386T.
Identifiers: ClinVar variation 3615866 (VCV003615866.3).
Genomic context (GRCh38, chr10:27,067,207, plus strand): 5'-ACTAACTTACCACTTCTATTATTTTTGTGCACTTCATCAACATAAGTCAAATTGTCATTA[T>G]TTGTTTGCTCTAGTGGAGCACTTTCAATAATATCAATACCATTTTCTTTTTTTGCAATGC-3'
Protein context (NP_055730.2, residues 376-396): IIESAPLEQT[Asn386Thr]NDNLTYVDEV